The following is an entry in ClinVar:

NM_003901.4(SGPL1):c.1018C>T (p.Arg340Trp)

Gene: SGPL1 (sphingosine-1-phosphate lyase 1; plus strand). Cytogenetic location: 10q22.1.
Variant type: single nucleotide variant.
Coding change: c.1018C>T on transcript NM_003901.4 (MANE Select); coding-DNA position 1018, C replaced by T.
Protein change: p.Arg340Trp; replaces arginine 340 with tryptophan.
Molecular consequence: missense variant.
Genome position (GRCh38, 1-based): chr10:70,871,945, C>T. VCF-style: chr10-70871945-C-T. GRCh37 (hg19) VCF-style: chr10-72631702-C-T.
Other names: SP-lyase 1; short protein forms R340W.
Identifiers: ClinVar variation 3362888 (VCV003362888.4).

ClinVar aggregate classification (germline): Uncertain significance. Review status: criteria provided, multiple submitters, no conflicts (2 of 4 stars). 2 submissions from 2 submitters: Uncertain significance (2). Last evaluated 2024-11-21.

Conditions:
Nephrotic syndrome 14. Also called: RENI SYNDROME; RENAL, ENDOCRINE, NEUROLOGIC, AND IMMUNE SYNDROME; Sphingosine Phosphate Lyase Insufficiency Syndrome. Identifiers: Orphanet 506334, MedGen C4540559, MONDO:0033203, OMIM 617575.

gnomAD v4.1: 5 of 1,614,072 alleles (0.00031%); highest among the groups gnomAD compares: Admixed American, 0.0017%; no homozygotes.

Submissions (2):

Labcorp Genetics (formerly Invitae), Labcorp
Classification: Uncertain significance. Last evaluated: 2024-11-21. Review status: criteria provided, single submitter. Criteria: Invitae Variant Classification Sherloc (09022015). Collection method: clinical testing. Allele origin: germline.
Comment: This sequence change replaces arginine, which is basic and polar, with tryptophan, which is neutral and slightly polar, at codon 340 of the SGPL1 protein (p.Arg340Trp). This variant is present in population databases (no rsID available, gnomAD 0.003%). This missense change has been observed in individual(s) with nephrotic syndrome (PMID: 30090628). Invitae Evidence Modeling of protein sequence and biophysical properties (such as structural, functional, and spatial information, amino acid conservation, physicochemical variation, residue mobility, and thermodynamic stability) indicates that this missense variant is expected to disrupt SGPL1 protein function with a positive predictive value of 80%. In summary, the available evidence is currently insufficient to determine the role of this variant in disease. Therefore, it has been classified as a Variant of Uncertain Significance.

Pediatric Department, Iran University of Medical Sciences
Classification: Uncertain significance for Nephrotic syndrome 14. Last evaluated: 2023-10-07. Review status: criteria provided, single submitter. Criteria: ACMG Guidelines, 2015. Collection method: clinical testing. Allele origin: germline. Inheritance: Autosomal recessive inheritance. Affected: yes. Observed: 1 homozygote.
Comment: The SGPL1 c.1018C>T (p.Arg340Trp) variant is classified as a VUS due to insufficient functional evidence. While in silico analyses predict a deleterious impact (PP3) and the variant is absent from population databases (PM2), the lack of direct experimental validation and limited case reports prevent a definitive pathogenic classification. Both cases align with the phenotypic presentation of SPLIS, but further studies are needed to confirm the pathogenicity of this variant.

Literature cited by the submitters: PubMed 30090628 (cited by Labcorp Genetics (formerly Invitae), Labcorp and Pediatric Department, Iran University of Medical Sciences).